The following is an entry in ClinVar:

NM_000059.4(BRCA2):c.9350A>C (p.His3117Pro)

Gene: BRCA2 (BRCA2 DNA repair associated; plus strand). Cytogenetic location: 13q13.1.
Variant type: single nucleotide variant.
Coding change: c.9350A>C on transcript NM_000059.4 (MANE Select); coding-DNA position 9350, A replaced by C.
Protein change: p.His3117Pro; replaces histidine 3117 with proline.
Molecular consequence: missense variant.
Genome position (GRCh38, 1-based): chr13:32,394,782, A>C. VCF-style: chr13-32394782-A-C. GRCh37 (hg19) VCF-style: chr13-32968919-A-C.
Other names: short protein forms H3117P.
Identifiers: ClinVar variation 52818 (VCV000052818.22), dbSNP rs80359206, ClinGen allele CA026109.

ClinVar aggregate classification (germline): Conflicting classifications of pathogenicity. Review status: criteria provided, conflicting classifications (1 of 4 stars). 4 submissions from 4 submitters: Uncertain significance (2); Likely benign (1). 1 of the submissions does not count toward it. Last evaluated 2025-08-27.

Conditions:
Hereditary breast ovarian cancer syndrome. Also called: Hereditary breast and ovarian cancer syndrome; Hereditary breast and ovarian cancer; Hereditary breast and ovarian cancer syndrome (HBOC); Breast and ovarian cancer; Hereditary breast and/or ovarian cancer syndrome; BRCA1- and BRCA2-Associated Hereditary Breast and Ovarian Cancer. Identifiers: Orphanet 145, MedGen C0677776, MeSH D061325, MONDO:0003582. Disease mechanism: loss of function.
Breast-ovarian cancer, familial, susceptibility to, 2 (BROVCA2). Also called: BRCA2 Hereditary Breast and Ovarian Cancer. Identifiers: Orphanet 145, MedGen C2675520, MONDO:0012933, OMIM 612555. Disease mechanism: loss of function.
Hereditary cancer-predisposing syndrome. Also called: Neoplastic Syndromes, Hereditary; Tumor predisposition; Hereditary neoplastic syndrome; Hereditary Cancer Syndrome. Identifiers: Orphanet 140162, MedGen C0027672, MeSH D009386, MONDO:0015356.

Submissions (4):

Color Diagnostics, LLC DBA Color Health
Classification: Uncertain significance for Hereditary cancer-predisposing syndrome. Last evaluated: 2025-08-27. Review status: criteria provided, single submitter. Criteria: ACMG Guidelines, 2015. Collection method: clinical testing. Allele origin: germline.
Comment: This missense variant replaces histidine with proline at codon 3117 of the BRCA2 protein. Computational prediction suggests that this variant may not impact protein structure and function. Functional studies have reported that this variant does not impact BRCA2 in a haploid cell proliferation assay and in Brca2-null mouse cells in growth and sensitivity assays to cisplatin and PARB inhibitor (PMID: 37922907, 39779848, 39779857). A multifactorial analysis has reached a combined likelihood ratio (LR) of 0.37 based on reported LR for co-occurrence with a pathogenic variant and family history for 1 carrier (PMID: 31131967). This variant has not been identified in the general population by the Genome Aggregation Database (gnomAD). Although there is a suspicion that this variant may not be associated with disease, additional clinical studies are necessary to determine the role of this variant in disease conclusively. Therefore, this variant is classified as a Variant of Uncertain Significance.

Ambry Genetics
Classification: Likely benign for Hereditary cancer-predisposing syndrome. Last evaluated: 2025-05-15. Review status: criteria provided, single submitter. Criteria: Ambry Variant Classification Scheme 2023. Collection method: clinical testing. Allele origin: germline.

Labcorp Genetics (formerly Invitae), Labcorp
Classification: Uncertain significance for Hereditary breast ovarian cancer syndrome. Last evaluated: 2024-03-21. Review status: criteria provided, single submitter. Criteria: Invitae Variant Classification Sherloc (09022015). Collection method: clinical testing. Allele origin: germline.
Comment: This sequence change replaces histidine, which is basic and polar, with proline, which is neutral and non-polar, at codon 3117 of the BRCA2 protein (p.His3117Pro). This variant is not present in population databases (gnomAD no frequency). This missense change has been observed in individual(s) with BRCA2-related conditions (PMID: 10923033, 21520333). ClinVar contains an entry for this variant (Variation ID: 52818). Advanced modeling of protein sequence and biophysical properties (such as structural, functional, and spatial information, amino acid conservation, physicochemical variation, residue mobility, and thermodynamic stability) performed at Invitae indicates that this missense variant is not expected to disrupt BRCA2 protein function with a negative predictive value of 95%. In summary, the available evidence is currently insufficient to determine the role of this variant in disease. Therefore, it has been classified as a Variant of Uncertain Significance.

Breast Cancer Information Core (BIC) (BRCA2)
Classification: Uncertain significance for Breast-ovarian cancer, familial 2. Last evaluated: 2003-12-23. Review status: no assertion criteria provided. Collection method: clinical testing. Allele origin: germline. Affected: yes. Observed: 1 variant allele. Not counted in ClinVar's aggregate classification.

Literature cited by the submitters: PubMed 31131967 (cited by Color Diagnostics, LLC DBA Color Health and Ambry Genetics); PubMed 37922907 (cited by Color Diagnostics, LLC DBA Color Health and Ambry Genetics); PubMed 39779848 (cited by Color Diagnostics, LLC DBA Color Health); PubMed 39779857 (cited by Color Diagnostics, LLC DBA Color Health); PubMed 10923033 (cited by Labcorp Genetics (formerly Invitae), Labcorp); PubMed 21520333 (cited by Labcorp Genetics (formerly Invitae), Labcorp).